The following is an entry in ClinVar:

ClinVar aggregate classification (germline): Uncertain significance (1 of 4 stars; one submission).

gnomAD v4.1: 5 of 1,614,096 alleles (0.00031%); highest among the groups gnomAD compares: Non-Finnish European, 0.00042%; no homozygotes.

Submission:

Labcorp Genetics (formerly Invitae), Labcorp
Classification: Uncertain significance. Last evaluated: 2025-08-12. Review status: criteria provided, single submitter. Criteria: Invitae Variant Classification Sherloc (09022015). Collection method: clinical testing. Allele origin: germline.
Comment: This sequence change replaces aspartic acid, which is acidic and polar, with asparagine, which is neutral and polar, at codon 1395 of the KAT6A protein (p.Asp1395Asn). This variant is not present in population databases (gnomAD no frequency). This variant has not been reported in the literature in individuals affected with KAT6A-related conditions. ClinVar contains an entry for this variant (Variation ID: 3621663). Invitae Evidence Modeling of protein sequence and biophysical properties (such as structural, functional, and spatial information, amino acid conservation, physicochemical variation, residue mobility, and thermodynamic stability) indicates that this missense variant is not expected to disrupt KAT6A protein function with a negative predictive value of 95%. In summary, the available evidence is currently insufficient to determine the role of this variant in disease. Therefore, it has been classified as a Variant of Uncertain Significance.

NM_006766.5(KAT6A):c.4183G>A (p.Asp1395Asn)

Gene: KAT6A (lysine acetyltransferase 6A; minus strand). Cytogenetic location: 8p11.21.
Variant type: single nucleotide variant.
Coding change: c.4183G>A on transcript NM_006766.5 (MANE Select); coding-DNA position 4183, G replaced by A.
Protein change: p.Asp1395Asn; replaces aspartic acid 1395 with asparagine.
Molecular consequence: missense variant.
Genome position (GRCh38, 1-based): chr8:41,934,037, C>T on the plus strand (G>A on the coding strand, the complement: KAT6A is on the minus strand). VCF-style: chr8-41934037-C-T. GRCh37 (hg19) VCF-style: chr8-41791555-C-T.
Other names: short protein forms D1395N.
Identifiers: ClinVar variation 3621663 (VCV003621663.2).